The following is an entry in ClinVar:

NM_007327.4(GRIN1):c.931A>G (p.Asn311Asp)

Gene: GRIN1 (glutamate ionotropic receptor NMDA type subunit 1; plus strand). Cytogenetic location: 9q34.3.
Variant type: single nucleotide variant.
Coding change: c.931A>G on transcript NM_007327.4 (MANE Select); coding-DNA position 931, A replaced by G.
Protein change: p.Asn311Asp; replaces asparagine 311 with aspartic acid.
Molecular consequence: missense variant.
Genome position (GRCh38, 1-based): chr9:137,157,000, A>G. VCF-style: chr9-137157000-A-G. GRCh37 (hg19) VCF-style: chr9-140051452-A-G.
Other names: c.931A>G, p.Asn311Asp (NM_000832.7, NM_021569.4); c.994A>G, p.Asn332Asp (NM_001185090.2, NM_001185091.2, NM_001437330.1 and 1 more transcripts); short protein forms N311D, N332D.
Identifiers: ClinVar variation 4795327 (VCV004795327.1).

ClinVar aggregate classification (germline): Uncertain significance (1 of 4 stars; one submission).

Submission:

GeneDx
Classification: Uncertain significance. Last evaluated: 2025-08-15. Review status: criteria provided, single submitter. Criteria: GeneDx Variant Classification Process June 2021. Collection method: clinical testing. Allele origin: germline. Affected: yes.
Comment: Not observed at significant frequency in large population cohorts (gnomAD); In silico analysis suggests that this missense variant does not alter protein structure/function; Has not been previously published as pathogenic or benign to our knowledge